The following is an entry in ClinVar:

NM_001127222.2(CACNA1A):c.2603C>T (p.Ala868Val)

Gene: CACNA1A (calcium voltage-gated channel subunit alpha1 A; minus strand). Cytogenetic location: 19p13.13.
Variant type: single nucleotide variant.
Coding change: c.2603C>T on transcript NM_001127222.2 (MANE Select); coding-DNA position 2603, C replaced by T.
Protein change: p.Ala868Val; replaces alanine 868 with valine.
Molecular consequence: missense variant.
Genome position (GRCh38, 1-based): chr19:13,299,030, G>A on the plus strand (C>T on the coding strand, the complement: CACNA1A is on the minus strand). VCF-style: chr19-13299030-G-A. GRCh37 (hg19) VCF-style: chr19-13409844-G-A.
Other names: c.2615C>T, p.Ala872Val (NM_000068.4, NM_023035.3); c.2606C>T, p.Ala869Val (NM_001127221.2, NM_001174080.2); short protein forms A872V, A868V, A869V.
Identifiers: ClinVar variation 1956576 (VCV001956576.32), dbSNP rs931507317, ClinGen allele CA305506491.

ClinVar aggregate classification (germline): Uncertain significance. Review status: criteria provided, multiple submitters, no conflicts (2 of 4 stars). 2 submissions from 2 submitters: Uncertain significance (2). Last evaluated 2023-08-01.

Conditions:
Developmental and epileptic encephalopathy, 42 (DEE42A). Also called: EPILEPTIC ENCEPHALOPATHY, EARLY INFANTILE, 42A; Epileptic encephalopathy, early infantile, 42; DEVELOPMENTAL AND EPILEPTIC ENCEPHALOPATHY 42A. Identifiers: MedGen C4310716, MONDO:0014917, OMIM 617106.
Episodic ataxia type 2 (EA2). Also called: ATAXIA, EPISODIC, WITH NYSTAGMUS; ATAXIA, FAMILIAL PAROXYSMAL; CEREBELLAR ATAXIA, PAROXYSMAL, ACETAZOLAMIDE-RESPONSIVE; CEREBELLOPATHY, HEREDITARY PAROXYSMAL; EPISODIC ATAXIA, NYSTAGMUS-ASSOCIATED; ACETAZOLAMIDE-RESPONSIVE HEREDITARY PAROXYSMAL CEREBELLAR ATAXIA. Identifiers: Orphanet 97, MedGen C1720416, MONDO:0007163, OMIM 108500.

Allele frequency attached by ClinVar (database versions not stated): gnomAD exomes 0.00001; TOPMed 0.00001.
gnomAD v4.1: 9 of 1,593,336 alleles (0.00056%); highest among the groups gnomAD compares: Non-Finnish European, 0.0006%; no homozygotes.

Submissions (2):

CeGaT Center for Human Genetics Tuebingen
Classification: Uncertain significance. Last evaluated: 2023-08-01. Review status: criteria provided, single submitter. Criteria: CeGaT Center For Human Genetics Tuebingen Variant Classification Criteria Version 2. Collection method: clinical testing. Allele origin: germline. Affected: yes. Observed: 2 variant alleles.
Comment: CACNA1A: PM2, PP2, PP3

Labcorp Genetics (formerly Invitae), Labcorp
Classification: Uncertain significance for Developmental and epileptic encephalopathy, 42; Episodic ataxia type 2. Last evaluated: 2022-10-03. Review status: criteria provided, single submitter. Criteria: Invitae Variant Classification Sherloc (09022015). Collection method: clinical testing. Allele origin: germline.
Comment: This variant has not been reported in the literature in individuals affected with CACNA1A-related conditions. The frequency data for this variant in the population databases is considered unreliable, as metrics indicate poor data quality at this position in the gnomAD database. This sequence change replaces alanine, which is neutral and non-polar, with valine, which is neutral and non-polar, at codon 869 of the CACNA1A protein (p.Ala869Val). Advanced modeling of protein sequence and biophysical properties (such as structural, functional, and spatial information, amino acid conservation, physicochemical variation, residue mobility, and thermodynamic stability) performed at Invitae indicates that this missense variant is not expected to disrupt CACNA1A protein function. In summary, the available evidence is currently insufficient to determine the role of this variant in disease. Therefore, it has been classified as a Variant of Uncertain Significance.